The following is an entry in ClinVar:

ClinVar aggregate classification (germline): Uncertain significance. Review status: criteria provided, multiple submitters, no conflicts (2 of 4 stars). 2 submissions from 2 submitters: Uncertain significance (2). Last evaluated 2023-06-14.

Conditions:
Hereditary cancer-predisposing syndrome. Also called: Hereditary neoplastic syndrome; Neoplastic Syndromes, Hereditary; Tumor predisposition; Hereditary Cancer Syndrome. Identifiers: Orphanet 140162, MedGen C0027672, MeSH D009386, MONDO:0015356.
Carney complex, type 1 (CNC1). Also called: CARNEY COMPLEX, TYPE I; CARNEY MYXOMA-ENDOCRINE COMPLEX. Identifiers: Orphanet 1359, MedGen C2607929, MONDO:0008057, OMIM 160980.

gnomAD v4.1: 1 of 1,614,070 alleles (0.000062%); no homozygotes.

Submissions (2):

Labcorp Genetics (formerly Invitae), Labcorp
Classification: Uncertain significance for Carney complex, type 1. Last evaluated: 2023-06-14. Review status: criteria provided, single submitter. Criteria: Invitae Variant Classification Sherloc (09022015). Collection method: clinical testing. Allele origin: germline.
Comment: In summary, the available evidence is currently insufficient to determine the role of this variant in disease. Therefore, it has been classified as a Variant of Uncertain Significance. RNA analysis performed to evaluate the impact of this missense change on mRNA splicing indicates it does not significantly alter splicing (Invitae). Advanced modeling of protein sequence and biophysical properties (such as structural, functional, and spatial information, amino acid conservation, physicochemical variation, residue mobility, and thermodynamic stability) performed at Invitae indicates that this missense variant is not expected to disrupt PRKAR1A protein function. ClinVar contains an entry for this variant (Variation ID: 1006515). This variant has not been reported in the literature in individuals affected with PRKAR1A-related conditions. This variant is not present in population databases (gnomAD no frequency). This sequence change replaces aspartic acid, which is acidic and polar, with glycine, which is neutral and non-polar, at codon 80 of the PRKAR1A protein (p.Asp80Gly).

Ambry Genetics
Classification: Uncertain significance for Hereditary cancer-predisposing syndrome. Last evaluated: 2023-04-27. Review status: criteria provided, single submitter. Criteria: Ambry Variant Classification Scheme 2023. Collection method: clinical testing. Allele origin: germline.
Comment: The p.D80G variant (also known as c.239A>G), located in coding exon 2 of the PRKAR1A gene, results from an A to G substitution at nucleotide position 239. The aspartic acid at codon 80 is replaced by glycine, an amino acid with similar properties. This amino acid position is conserved. In addition, the in silico prediction for this alteration is inconclusive. Since supporting evidence is limited at this time, the clinical significance of this alteration remains unclear.

NM_002734.5(PRKAR1A):c.239A>G (p.Asp80Gly)

Gene: PRKAR1A (protein kinase cAMP-dependent type I regulatory subunit alpha; plus strand). Cytogenetic location: 17q24.2.
Variant type: single nucleotide variant.
Coding change: c.239A>G on transcript NM_002734.5 (MANE Select); coding-DNA position 239, A replaced by G.
Protein change: p.Asp80Gly; replaces aspartic acid 80 with glycine.
Molecular consequence: missense variant.
Genome position (GRCh38, 1-based): chr17:68,522,817, A>G. VCF-style: chr17-68522817-A-G. GRCh37 (hg19) VCF-style: chr17-66518958-A-G.
Other names: c.239A>G, p.Asp80Gly (NM_001276289.2, NM_001276290.1, NM_001278433.2 and 4 more transcripts); c.239A>G (NM_002734.3); short protein forms D80G.
Identifiers: ClinVar variation 1006515 (VCV001006515.10), dbSNP rs2085658587, ClinGen allele CA400752289.